The following is an entry in ClinVar:

NM_178425.4(HDAC9):c.416-40TG[17]

Gene: HDAC9 (histone deacetylase 9; plus strand). Cytogenetic location: 7p21.1.
Variant type: Microsatellite.
Coding change: c.416-40TG[17] on transcript NM_178425.4 (MANE Select); 17 copies in a row of the 2-base unit TG starting at c.416-40.
Molecular consequence: intron variant.
Genome position: GRCh38 VCF-style: chr7-18591475-A-ATG. GRCh37 (hg19) VCF-style: chr7-18631098-A-ATG.
Other names: c.416-40TG[17] (NM_001321897.2, NM_001321874.2, NM_001321876.2 and 9 more transcripts); c.407-40TG[17] (NM_178423.3, NM_001321878.2, NM_001321900.2 and 7 more transcripts); c.323-40TG[17] (NM_001321889.2, NM_001321887.2, NM_001204148.3 and 1 more transcripts); c.314-40TG[17] (NM_001321886.2, NM_001204147.3); c.431-40TG[17] (NM_001321885.2, NM_001321898.2); c.422-40TG[17] (NM_001321875.2); c.473-40TG[17] (NM_001321868.2, NM_001321870.2); c.533-40TG[17] (NM_001204144.3); and 2 more.
Identifiers: ClinVar variation 3771246 (VCV003771246.13).

ClinVar aggregate classification (germline): Uncertain significance (1 of 4 stars; one submission).

Submission:

CeGaT Center for Human Genetics Tuebingen
Classification: Uncertain significance. Last evaluated: 2025-01-01. Review status: criteria provided, single submitter. Criteria: CeGaT Center For Human Genetics Tuebingen Variant Classification Criteria Version 2. Collection method: clinical testing. Allele origin: germline. Affected: yes. Observed: 1 variant allele.
Comment: HDAC9: PM2, BP4